The following is an entry in ClinVar:

NM_000536.4(RAG2):c.907G>A (p.Glu303Lys)

Gene: RAG2 (recombination activating 2; minus strand). Cytogenetic location: 11p12.
Variant type: single nucleotide variant.
Coding change: c.907G>A on transcript NM_000536.4 (MANE Select); coding-DNA position 907, G replaced by A.
Protein change: p.Glu303Lys; replaces glutamic acid 303 with lysine.
Molecular consequence: missense variant.
Genome position (GRCh38, 1-based): chr11:36,593,262, C>T on the plus strand (G>A on the coding strand, the complement: RAG2 is on the minus strand). VCF-style: chr11-36593262-C-T. GRCh37 (hg19) VCF-style: chr11-36614812-C-T.
Other names: c.907G>A, p.Glu303Lys (NM_001243785.2, NM_001243786.2); short protein forms E303K.
Identifiers: ClinVar variation 1466937 (VCV001466937.5), dbSNP rs2133313060, ClinGen allele CA380141840.

ClinVar aggregate classification (germline): Uncertain significance (1 of 4 stars; one submission).

Conditions:
Combined immunodeficiency with skin granulomas. Identifiers: Orphanet 157949, MedGen C2673536, MONDO:0009306, OMIM 233650.
Severe combined immunodeficiency, autosomal recessive, T cell-negative, B cell-negative, NK cell-positive. Also called: SCID, AR, T-cell negative, B-cell negative, NK cell-positive; SCID, T CELL-NEGATIVE, B CELL-NEGATIVE, NK CELL-POSITIVE; Severe combined immunodeficiency due to complete RAG1/2 deficiency. Identifiers: Orphanet 331206, MedGen C1832322, MONDO:0011086, OMIM 601457.

Allele frequency attached by ClinVar (database versions not stated): gnomAD exomes below 0.00001.

Submission:

Labcorp Genetics (formerly Invitae), Labcorp
Classification: Uncertain significance for Combined immunodeficiency with skin granulomas; Severe combined immunodeficiency, autosomal recessive, T cell-negative, B cell-negative, NK cell-positive. Last evaluated: 2021-08-27. Review status: criteria provided, single submitter. Criteria: Invitae Variant Classification Sherloc (09022015). Collection method: clinical testing. Allele origin: germline.
Comment: This sequence change replaces glutamic acid with lysine at codon 303 of the RAG2 protein (p.Glu303Lys). The glutamic acid residue is highly conserved and there is a small physicochemical difference between glutamic acid and lysine. This variant is not present in population databases (ExAC no frequency). This variant has not been reported in the literature in individuals affected with RAG2-related conditions. Advanced modeling of protein sequence and biophysical properties (such as structural, functional, and spatial information, amino acid conservation, physicochemical variation, residue mobility, and thermodynamic stability) performed at Invitae indicates that this missense variant is expected to disrupt RAG2 protein function. In summary, the available evidence is currently insufficient to determine the role of this variant in disease. Therefore, it has been classified as a Variant of Uncertain Significance.